The following is an entry in ClinVar:

ClinVar aggregate classification (germline): Uncertain significance (1 of 4 stars; one submission).

Allele frequency attached by ClinVar (database versions not stated): gnomAD 0.00001; gnomAD exomes 0.00001; TOPMed 0.00001; ExAC 0.00002.
gnomAD v4.1: 16 of 1,613,834 alleles (0.00099%); highest among the groups gnomAD compares: South Asian, 0.018%; no homozygotes.

Submission:

Labcorp Genetics (formerly Invitae), Labcorp
Classification: Uncertain significance. Last evaluated: 2023-03-07. Review status: criteria provided, single submitter. Criteria: Invitae Variant Classification Sherloc (09022015). Collection method: clinical testing. Allele origin: germline.
Comment: In summary, the available evidence is currently insufficient to determine the role of this variant in disease. Therefore, it has been classified as a Variant of Uncertain Significance. An algorithm developed to predict the effect of missense changes on protein structure and function (PolyPhen-2) suggests that this variant is likely to be tolerated. This variant has not been reported in the literature in individuals affected with ADGRE2-related conditions. This variant is present in population databases (rs758041727, gnomAD 0.02%). This sequence change replaces histidine, which is basic and polar, with tyrosine, which is neutral and polar, at codon 526 of the ADGRE2 protein (p.His526Tyr).

NM_013447.4(ADGRE2):c.1576C>T (p.His526Tyr)

Gene: ADGRE2 (adhesion G protein-coupled receptor E2; minus strand). Cytogenetic location: 19p13.12.
Variant type: single nucleotide variant.
Coding change: c.1576C>T on transcript NM_013447.4 (MANE Select); coding-DNA position 1576, C replaced by T.
Protein change: p.His526Tyr; replaces histidine 526 with tyrosine.
Molecular consequence: missense variant. On other transcripts: intron variant (1).
Genome position (GRCh38, 1-based): chr19:14,754,968, G>A on the plus strand (C>T on the coding strand, the complement: ADGRE2 is on the minus strand). VCF-style: chr19-14754968-G-A. GRCh37 (hg19) VCF-style: chr19-14865780-G-A.
Other names: c.1429C>T, p.His477Tyr (NM_152916.2); c.1297C>T, p.His433Tyr (NM_152917.2); c.1416+686C>T (NM_001271052.1); short protein forms H477Y, H433Y, H526Y.
Identifiers: ClinVar variation 2974108 (VCV002974108.3), dbSNP rs758041727, ClinGen allele CA9257680.